The following is an entry in ClinVar:

ClinVar aggregate classification (germline): Likely pathogenic (1 of 4 stars; one submission).

Conditions:
Ethylmalonic encephalopathy (EE). Also called: EPEMA syndrome; Encephalopathy, petechiae, and ethylmalonic aciduria; Syndrome of encephalopathy, petechiae, and ethylmalonic aciduria. Identifiers: Orphanet 51188, MedGen C1865349, MONDO:0011229, OMIM 602473. Disease mechanism: loss of function.

Submission:

Labcorp Genetics (formerly Invitae), Labcorp
Classification: Likely pathogenic for Ethylmalonic encephalopathy. Last evaluated: 2021-08-12. Review status: criteria provided, single submitter. Criteria: Invitae Variant Classification Sherloc (09022015). Collection method: clinical testing. Allele origin: germline.
Comment: This variant is a gross deletion of the genomic region encompassing exon(s) 4-7 of the ETHE1 gene, which includes the termination codon. This deletion extends beyond the assayed region for this gene and therefore may encompass additional genes. While this deletion is not anticipated to lead to nonsense mediated decay, it is expected to alter mRNA translation or result in a truncated protein product. A similar copy number variant has been observed in individual(s) with ethylmalonic encephalopathy (PMID: 18593870). This variant disrupts the p.Arg163 amino acid residue in ETHE1. Other variant(s) that disrupt this residue have been determined to be pathogenic (PMID: 14732903, 16828325, 18593870, 25198162). This suggests that this residue is clinically significant, and that variants that disrupt this residue are likely to be disease-causing. In summary, the currently available evidence indicates that the variant is pathogenic, but additional data are needed to prove that conclusively. Therefore, this variant has been classified as Likely Pathogenic.

Literature cited by the submitters: PubMed 18593870; PubMed 14732903; PubMed 16828325; PubMed 25198162.

NC_000019.10:g.(?_43506840)_(43511576_?)del

Gene: ETHE1 (ETHE1 persulfide dioxygenase; minus strand). Cytogenetic location: 19q13.31.
Variant type: Deletion.
Identifiers: ClinVar variation 646397 (VCV000646397.6).